The following is an entry in ClinVar:

NM_182961.4(SYNE1):c.7801C>G (p.Leu2601Val)

Gene: SYNE1 (spectrin repeat containing nuclear envelope protein 1; minus strand). Cytogenetic location: 6q25.2.
Variant type: single nucleotide variant.
Coding change: c.7801C>G on transcript NM_182961.4 (MANE Select); coding-DNA position 7801, C replaced by G.
Protein change: p.Leu2601Val; replaces leucine 2601 with valine.
Molecular consequence: missense variant.
Genome position (GRCh38, 1-based): chr6:152,391,480, G>C on the plus strand (C>G on the coding strand, the complement: SYNE1 is on the minus strand). VCF-style: chr6-152391480-G-C. GRCh37 (hg19) VCF-style: chr6-152712615-G-C.
Other names: c.7822C>G, p.Leu2608Val (NM_033071.5); short protein forms L2608V, L2601V.
Identifiers: ClinVar variation 2144352 (VCV002144352.4), dbSNP rs2097627402, ClinGen allele CA366109157.

ClinVar aggregate classification (germline): Uncertain significance (1 of 4 stars; one submission).

Conditions:
Autosomal recessive ataxia, Beauce type. Also called: SYNE1-Related Autosomal Recessive Cerebellar Ataxia; Spinocerebellar ataxia, autosomal recessive 8; ATAXIA, RECESSIVE, OF BEAUCE; SYNE1 Deficiency. Identifiers: Orphanet 88644, MedGen C1853116, MONDO:0012549, OMIM 610743.
Emery-Dreifuss muscular dystrophy 4, autosomal dominant (EDMD4). Also called: EMERY-DREIFUSS MUSCULAR DYSTROPHY 4 WITH VARIABLE FEATURES. Identifiers: Orphanet 261, MedGen C2751807, MONDO:0013071, OMIM 612998.

Submission:

Labcorp Genetics (formerly Invitae), Labcorp
Classification: Uncertain significance for Emery-Dreifuss muscular dystrophy 4, autosomal dominant; Autosomal recessive ataxia, Beauce type. Last evaluated: 2022-05-16. Review status: criteria provided, single submitter. Criteria: Invitae Variant Classification Sherloc (09022015). Collection method: clinical testing. Allele origin: germline.
Comment: In summary, the available evidence is currently insufficient to determine the role of this variant in disease. Therefore, it has been classified as a Variant of Uncertain Significance. Algorithms developed to predict the effect of missense changes on protein structure and function are either unavailable or do not agree on the potential impact of this missense change (SIFT: "Tolerated"; PolyPhen-2: "Possibly Damaging"; Align-GVGD: "Class C0"). This variant has not been reported in the literature in individuals affected with SYNE1-related conditions. This variant is not present in population databases (gnomAD no frequency). This sequence change replaces leucine, which is neutral and non-polar, with valine, which is neutral and non-polar, at codon 2608 of the SYNE1 protein (p.Leu2608Val).